The following is an entry in ClinVar:

ClinVar aggregate classification (germline): Uncertain significance (1 of 4 stars; one submission).

Conditions:
Niemann-Pick disease, type C1. Also called: NEUROVISCERAL STORAGE DISEASE WITH VERTICAL SUPRANUCLEAR OPHTHALMOPLEGIA; NIEMANN-PICK DISEASE WITH CHOLESTEROL ESTERIFICATION BLOCK; NIEMANN-PICK DISEASE WITHOUT SPHINGOMYELINASE DEFICIENCY; NIEMANN-PICK DISEASE, CHRONIC NEURONOPATHIC FORM; NIEMANN-PICK DISEASE, VARIANT TYPE C1. Identifiers: Orphanet 646, MedGen C3179455, MONDO:0009757, OMIM 257220.

Allele frequency attached by ClinVar (database versions not stated): gnomAD exomes below 0.00001.
gnomAD v4.1: 1 of 1,613,874 alleles (0.000062%); highest among the groups gnomAD compares: Non-Finnish European, 0.000085%; no homozygotes.

Submission:

Labcorp Genetics (formerly Invitae), Labcorp
Classification: Uncertain significance for Niemann-Pick disease, type C1. Last evaluated: 2022-01-21. Review status: criteria provided, single submitter. Criteria: Invitae Variant Classification Sherloc (09022015). Collection method: clinical testing. Allele origin: germline.
Comment: In summary, the available evidence is currently insufficient to determine the role of this variant in disease. Therefore, it has been classified as a Variant of Uncertain Significance. Variants that disrupt the consensus splice site are a relatively common cause of aberrant splicing (PMID: 17576681, 9536098). Algorithms developed to predict the effect of sequence changes on RNA splicing suggest that this variant may create or strengthen a splice site. This variant has not been reported in the literature in individuals affected with NPC1-related conditions. This variant is not present in population databases (gnomAD no frequency). This sequence change falls in intron 13 of the NPC1 gene. It does not directly change the encoded amino acid sequence of the NPC1 protein. It affects a nucleotide within the consensus splice site.

Literature cited by the submitters: PubMed 17576681; PubMed 9536098.

NM_000271.5(NPC1):c.2130+5A>G

Gene: NPC1 (NPC intracellular cholesterol transporter 1; minus strand). Cytogenetic location: 18q11.2.
Variant type: single nucleotide variant.
Coding change: c.2130+5A>G on transcript NM_000271.5 (MANE Select); 5 bases into the intron after coding-DNA position 2130, A replaced by G.
Molecular consequence: intron variant.
Genome position (GRCh38, 1-based): chr18:23,544,339, T>C on the plus strand (A>G on the coding strand, the complement: NPC1 is on the minus strand). VCF-style: chr18-23544339-T-C. GRCh37 (hg19) VCF-style: chr18-21124303-T-C.
Identifiers: ClinVar variation 2145432 (VCV002145432.2), dbSNP rs2511234307, ClinGen allele CA503324650.